The following is an entry in ClinVar:

ClinVar aggregate classification (germline): Uncertain significance (1 of 4 stars; one submission).

Conditions:
Hereditary cancer-predisposing syndrome. Also called: Neoplastic Syndromes, Hereditary; Tumor predisposition; Hereditary Cancer Syndrome; Hereditary neoplastic syndrome. Identifiers: Orphanet 140162, MedGen C0027672, MeSH D009386, MONDO:0015356.

Submission:

Ambry Genetics
Classification: Uncertain significance for Hereditary cancer-predisposing syndrome. Last evaluated: 2015-07-09. Review status: criteria provided, single submitter. Criteria: Ambry Variant Classification Scheme 2023. Collection method: clinical testing. Allele origin: germline.
Comment: The p.A244S variant (also known as c.730G>T), located in coding exon 6 of the ATM gene, results from a G to T substitution at nucleotide position 730. The alanine at codon 244 is replaced by serine, an amino acid with similar properties. This variant was not reported in population based cohorts in the following databases: Database of Single Nucleotide Polymorphisms (dbSNP), NHLBI Exome Sequencing Project (ESP), and 1000 Genomes Project. In the ESP, this variant was not observed in 6498 samples (12996 alleles) with coverage at this position. To date, this alteration has been detected with an allele frequency of approximately 0.002% (greater than 66,000 alleles tested) in our clinical cohort. This amino acid position is well conserved in available vertebrate species, however serine is the reference amino acid in two species. In addition, this alteration is predicted to be tolerated by in silico analysis. Since supporting evidence is limited at this time, the clinical significance of p.A244S remains unclear.

NM_000051.4(ATM):c.730G>T (p.Ala244Ser)

Gene: ATM (ATM serine/threonine kinase; plus strand). Cytogenetic location: 11q22.3.
Variant type: single nucleotide variant.
Coding change: c.730G>T on transcript NM_000051.4 (MANE Select); coding-DNA position 730, G replaced by T.
Protein change: p.Ala244Ser; replaces alanine 244 with serine.
Molecular consequence: missense variant.
Genome position (GRCh38, 1-based): chr11:108,244,855, G>T. VCF-style: chr11-108244855-G-T. GRCh37 (hg19) VCF-style: chr11-108115582-G-T.
Other names: c.730G>T, p.Ala244Ser (NM_001351834.2); short protein forms A244S.
Identifiers: ClinVar variation 1758257 (VCV001758257.2), dbSNP rs2079760518, ClinGen allele CA382529233.